The following is an entry in ClinVar:

NM_000260.4(MYO7A):c.2717G>A (p.Arg906His)

Gene: MYO7A (myosin VIIA; plus strand). Cytogenetic location: 11q13.5.
Variant type: single nucleotide variant.
Coding change: c.2717G>A on transcript NM_000260.4 (MANE Select); coding-DNA position 2717, G replaced by A.
Protein change: p.Arg906His; replaces arginine 906 with histidine.
Molecular consequence: missense variant.
Genome position (GRCh38, 1-based): chr11:77,181,402, G>A. VCF-style: chr11-77181402-G-A. GRCh37 (hg19) VCF-style: chr11-76892448-G-A.
Other names: c.2717G>A, p.Arg906His (NM_001127180.2); c.2684G>A, p.Arg895His (NM_001369365.1); short protein forms R895H, R906H.
Identifiers: ClinVar variation 966679 (VCV000966679.8), dbSNP rs868977760, ClinGen allele CA224841452.

ClinVar aggregate classification (germline): Uncertain significance. Review status: criteria provided, multiple submitters, no conflicts (2 of 4 stars). 5 submissions from 5 submitters: Uncertain significance (4). 1 of the submissions does not count toward it. Last evaluated 2026-09-21.

Conditions:
MYO7A-related disorder. Also called: MYO7A-related disorders.
Inborn genetic diseases. Identifiers: MedGen C0950123, MeSH D030342.
Usher syndrome type 1 (USH1). Also called: RETINITIS PIGMENTOSA AND CONGENITAL DEAFNESS. Identifiers: Orphanet 231169, Orphanet 886, MedGen C1568247, MONDO:0010168, OMIM 276900.
Autosomal dominant nonsyndromic hearing loss 11. Identifiers: Orphanet 90635, MedGen C1832475, MONDO:0011032, OMIM 601317.
Autosomal recessive nonsyndromic hearing loss 2. Also called: NEUROSENSORY NONSYNDROMIC RECESSIVE DEAFNESS 2; DEAFNESS, AUTOSOMAL RECESSIVE 2. Identifiers: Orphanet 90636, MedGen C1838701, MONDO:0010807, OMIM 600060.
Usher syndrome type 1B (USH1B). Also called: Usher syndrome type IB. Identifiers: MedGen C1848638, MONDO:0700087.

Allele frequency attached by ClinVar (database versions not stated): TOPMed 0.00001; gnomAD 0.00003.
gnomAD v4.1: 53 of 1,576,096 alleles (0.0034%); highest among the groups gnomAD compares: East Asian, 0.019%; no homozygotes.

Submissions (5):

PreventionGenetics, part of Exact Sciences
Classification: Uncertain significance for MYO7A-related condition. Last evaluated: 2026-09-21. Review status: criteria provided, single submitter. Criteria: ACMG Guidelines, 2015. Collection method: clinical testing. Allele origin: germline.
Comment: The MYO7A c.2717G>A variant is predicted to result in the amino acid substitution p.Arg906His. To our knowledge, this variant has not been reported in the literature. This variant is reported in 0.0073% of alleles in individuals of East Asian descent in gnomAD. At this time, the clinical significance of this variant is uncertain due to the absence of conclusive functional and genetic evidence.

Labcorp Genetics (formerly Invitae), Labcorp
Classification: Uncertain significance. Last evaluated: 2025-07-23. Review status: criteria provided, single submitter. Criteria: Invitae Variant Classification Sherloc (09022015). Collection method: clinical testing. Allele origin: germline.
Comment: This sequence change replaces arginine, which is basic and polar, with histidine, which is basic and polar, at codon 906 of the MYO7A protein (p.Arg906His). This variant is present in population databases (no rsID available, gnomAD 0.008%). This variant has not been reported in the literature in individuals affected with MYO7A-related conditions. ClinVar contains an entry for this variant (Variation ID: 966679). Invitae Evidence Modeling of protein sequence and biophysical properties (such as structural, functional, and spatial information, amino acid conservation, physicochemical variation, residue mobility, and thermodynamic stability) indicates that this missense variant is not expected to disrupt MYO7A protein function with a negative predictive value of 95%. In summary, the available evidence is currently insufficient to determine the role of this variant in disease. Therefore, it has been classified as a Variant of Uncertain Significance.

Ambry Genetics
Classification: Uncertain significance for Inborn genetic diseases. Last evaluated: 2024-08-01. Review status: criteria provided, single submitter. Criteria: Ambry Variant Classification Scheme 2023. Collection method: clinical testing. Allele origin: germline.

Fulgent Genetics
Classification: Uncertain significance for Usher syndrome type 1; Autosomal recessive nonsyndromic hearing loss 2; Autosomal dominant nonsyndromic hearing loss 11. Last evaluated: 2021-07-20. Review status: criteria provided, single submitter. Criteria: ACMG Guidelines, 2015. Collection method: clinical testing. Allele origin: unknown.

Natera, Inc.
Classification: Uncertain significance for Usher syndrome type 1B. Last evaluated: 2021-03-09. Review status: no assertion criteria provided. Collection method: clinical testing. Allele origin: germline. Not counted in ClinVar's aggregate classification.